The following is an entry in ClinVar:

ClinVar aggregate classification (germline): Uncertain significance (1 of 4 stars; one submission).

Allele frequency attached by ClinVar (database versions not stated): gnomAD exomes below 0.00001; TOPMed below 0.00001; gnomAD 0.00001.
gnomAD v4.1: 3 of 1,612,566 alleles (0.00019%); highest among the groups gnomAD compares: Non-Finnish European, 0.00017%; no homozygotes.

Submission:

Labcorp Genetics (formerly Invitae), Labcorp
Classification: Uncertain significance. Last evaluated: 2022-08-31. Review status: criteria provided, single submitter. Criteria: Invitae Variant Classification Sherloc (09022015). Collection method: clinical testing. Allele origin: germline.
Comment: This sequence change replaces leucine, which is neutral and non-polar, with serine, which is neutral and polar, at codon 1749 of the USH2A protein (p.Leu1749Ser). This variant is not present in population databases (gnomAD no frequency). This variant has not been reported in the literature in individuals affected with USH2A-related conditions. ClinVar contains an entry for this variant (Variation ID: 1505348). Algorithms developed to predict the effect of missense changes on protein structure and function (SIFT, PolyPhen-2, Align-GVGD) all suggest that this variant is likely to be disruptive. In summary, the available evidence is currently insufficient to determine the role of this variant in disease. Therefore, it has been classified as a Variant of Uncertain Significance.

NM_206933.4(USH2A):c.5246T>C (p.Leu1749Ser)

Genes: USH2A (usherin; minus strand), USH2A-AS2 (USH2A antisense RNA 2; plus strand). Cytogenetic location: 1q41.
Variant type: single nucleotide variant.
Coding change: c.5246T>C on transcript NM_206933.4 (MANE Select); coding-DNA position 5246, T replaced by C.
Protein change: p.Leu1749Ser; replaces leucine 1749 with serine.
Molecular consequence: missense variant.
Genome position (GRCh38, 1-based): chr1:216,083,508, A>G on the plus strand (T>C on the coding strand, the complement: USH2A is on the minus strand). VCF-style: chr1-216083508-A-G. GRCh37 (hg19) VCF-style: chr1-216256850-A-G.
Other names: short protein forms L1749S.
Identifiers: ClinVar variation 1505348 (VCV001505348.3), dbSNP rs1558249837, ClinGen allele CA344857945.